The following continues an entry in ClinVar:

NM_000059.4(BRCA2):c.5410_5411del (p.Val1804fs)

Gene: BRCA2. ClinVar aggregate classification (germline): Pathogenic. Pathogenic (1).

Submissions 10 to 18 of 18:

Quest Diagnostics Nichols Institute San Juan Capistrano
Classification: Pathogenic. Last evaluated: 2021-05-12. Review status: criteria provided, single submitter. Criteria: Quest Diagnostics criteria. Collection method: clinical testing. Allele origin: unknown. Not counted in ClinVar's aggregate classification.
Comment: This frameshift variant alters the translational reading frame of the BRCA2 mRNA and causes the premature termination of BRCA2 protein synthesis. It has not been reported in large, multi-ethnic general populations. In the published literature, the variant has been reported in individuals with breast cancer, pancreatic cancer, and ovarian cancer (PMIDs: 33888336 (2021), 32563252 (2020), 32194909 (2020), 29446198 (2018), 28525389 (2017), 24963353 (2014)). Based on the available information, this variant is classified as pathogenic.

Mayo Clinic Laboratories, Mayo Clinic
Classification: Pathogenic. Last evaluated: 2020-11-16. Review status: criteria provided, single submitter. Criteria: ACMG Guidelines, 2015. Collection method: clinical testing. Allele origin: germline. Observed: 1 variant allele. Not counted in ClinVar's aggregate classification.
Comment: PVS1, PM2, PP5

Laboratory for Molecular Medicine, Mass General Brigham Personalized Medicine
Classification: Pathogenic for Hereditary breast ovarian cancer syndrome. Last evaluated: 2017-07-20. Review status: criteria provided, single submitter. Criteria: LMM Criteria. Collection method: clinical testing. Allele origin: germline. Inheritance: Autosomal dominant inheritance. Observed: 1 variant allele. Not counted in ClinVar's aggregate classification.
Comment: The p.Val1804fs variant in BRCA2 has been reported in 6 individuals with heredit ary breast and/or ovarian cancer (HBOC; Marroni 2004, Breast Cancer Information Core (BIC) database) and was absen t from large population studies, though the ability of these studies to accurate ly detect indels may be limited. This variant is predicted to cause a frameshift , which alters the protein?s amino acid sequence beginning at position 1804 and leads to a premature termination codon 2 amino acids downstream. This alteration is then predicted to lead to a truncated or absent protein. Heterozygous loss o f function of the BRCA2 gene is an established disease mechanism in HBOC. In add ition, this variant was classified as pathogenic on Sept 8, 2016 by the ClinGen- approved ENIGMA expert panel (ClinVar SCV000300872.2). In summary, this variant meets criteria to be classified as pathogenic for HBOC in an autosomal dominant manner based on predicted impact to the protein and absence from controls.

Consortium of Investigators of Modifiers of BRCA1/2 (CIMBA), c/o University of Cambridge
Classification: Pathogenic for Breast-ovarian cancer, familial, susceptibility to, 2. Last evaluated: 2015-10-02. Review status: criteria provided, single submitter. Criteria: CIMBA Mutation Classification guidelines May 2016. Collection method: clinical testing. Allele origin: germline. Not counted in ClinVar's aggregate classification.

Rady Children's Institute for Genomic Medicine, Rady Children's Hospital San Diego
Classification: Pathogenic for Hereditary Breast and Ovarian Cancer Syndrome. Review status: criteria provided, single submitter. Criteria: ACMG Guidelines, 2015. Collection method: clinical testing. Allele origin: germline. Affected: yes. Not counted in ClinVar's aggregate classification.
Comment: This frameshifting variant in exon 11 of 28 introduces a premature stop codon and is therefore predicted to result in loss of normal protein function through either protein truncation or nonsense-mediated mRNA decay (NMD). This variant has been previously reported as a heterozygous change in patients with breast and/or ovarian cancer (PMID: 15340362, 12048272, 28525389) and pancreatic cancer (PMID: 24963353). This variant is also known as 5638delGT in the literature. It is absent from the gnomAD population database and thus is presumed to be rare. Based on the available evidence, the c.5410_5411del (p.Val1804LysfsTer2) variant is classified as Pathogenic.

Research Molecular Genetics Laboratory, Women's College Hospital, University of Toronto
Classification: Pathogenic for Hereditary breast ovarian cancer syndrome. Last evaluated: 2014-01-31. Review status: no assertion criteria provided. Collection method: research. Allele origin: germline. Affected: yes. Study: The Canadian Open Genetics Repository (COGR). Not counted in ClinVar's aggregate classification.

Foulkes Cancer Genetics LDI, Lady Davis Institute for Medical Research
Classification: Pathogenic for Breast and/or ovarian cancer. Last evaluated: 2010-06-28. Review status: no assertion criteria provided. Collection method: clinical testing. Allele origin: germline. Study: The Canadian Open Genetics Repository (COGR). Not counted in ClinVar's aggregate classification.

Sharing Clinical Reports Project (SCRP)
Classification: Pathogenic for Breast-ovarian cancer, familial 2. Last evaluated: 2007-11-30. Review status: no assertion criteria provided. Collection method: clinical testing. Allele origin: germline. Not counted in ClinVar's aggregate classification.

Breast Cancer Information Core (BIC) (BRCA2)
Classification: Pathogenic for Breast-ovarian cancer, familial 2. Last evaluated: 2002-05-29. Review status: no assertion criteria provided. Collection method: clinical testing. Allele origin: germline. Affected: yes. Observed: 5 variant alleles. Not counted in ClinVar's aggregate classification.

Literature cited by the submitters: PubMed 20104584 (cited by Labcorp Genetics (formerly Invitae), Labcorp); PubMed 15340362 (cited by 6 submitters); PubMed 24963353 (cited by 6 submitters); PubMed 28525389 (cited by 3 submitters); PubMed 29446198 (cited by 4 submitters); PubMed 32194909 (cited by 3 submitters); PubMed 32699032 (cited by Color Diagnostics, LLC DBA Color Health); PubMed 33888336 (cited by Color Diagnostics, LLC DBA Color Health and Quest Diagnostics Nichols Institute San Juan Capistrano); PubMed 21702907 (cited by Women's Health and Genetics/Laboratory Corporation of America, LabCorp); PubMed 12048272 (cited by Women's Health and Genetics/Laboratory Corporation of America, LabCorp); PubMed 26586665 (cited by Women's Health and Genetics/Laboratory Corporation of America, LabCorp); PubMed 31447099 (cited by Quest Diagnostics Nichols Institute San Juan Capistrano); PubMed 26295337 (cited by Quest Diagnostics Nichols Institute San Juan Capistrano); PubMed 32563252 (cited by Quest Diagnostics Nichols Institute San Juan Capistrano).